The following is an entry in ClinVar:

NM_001042492.3(NF1):c.3884_3887del (p.Thr1295fs)

Gene: NF1 (neurofibromin 1; plus strand). Cytogenetic location: 17q11.2.
Variant type: Deletion.
Coding change: c.3884_3887del on transcript NM_001042492.3 (MANE Select); coding-DNA positions 3884 to 3887, 4 bases deleted (CCTA; older notation c.3884_3887delCCTA).
Protein change: p.Thr1295fs; shifts the reading frame from threonine 1295.
Molecular consequence: frameshift variant.
Genome position (GRCh38, 1-based): chr17:31,235,931-31,235,934, CCTA deleted; deleting any 4 consecutive bases within chr17:31,235,928-31,235,934 gives the same sequence; the c. name uses the placement nearest the transcript's 3' end. VCF-style (leftmost placement, unchanged base first): chr17-31235927-GCTAC-G. GRCh37 (hg19) VCF-style: chr17-29562945-GCTAC-G.
Other names: c.3884_3887delCCTA, p.Thr1295Ilefs (NM_000267.4); short protein forms T1295fs.
Identifiers: ClinVar variation 848117 (VCV000848117.6), dbSNP rs2067193558, ClinGen allele CA916080625.

ClinVar aggregate classification (germline): Pathogenic (1 of 4 stars; one submission).

Conditions:
Neurofibromatosis, type 1 (NF1). Also called: Neurofibromatosis, type I; VON RECKLINGHAUSEN DISEASE; Peripheral type neurofibromatosis; NEUROFIBROMATOSIS, TYPE I, SOMATIC. Identifiers: Orphanet 636, MedGen C0027831, MONDO:0018975, OMIM 162200. Disease mechanism: loss of function.

Submission:

Labcorp Genetics (formerly Invitae), Labcorp
Classification: Pathogenic for Neurofibromatosis, type 1. Last evaluated: 2019-06-17. Review status: criteria provided, single submitter. Criteria: Invitae Variant Classification Sherloc (09022015). Collection method: clinical testing. Allele origin: germline.
Comment: This sequence change creates a premature translational stop signal (p.Thr1295Ilefs*13) in the NF1 gene. It is expected to result in an absent or disrupted protein product. This variant is not present in population databases (ExAC no frequency). Loss-of-function variants in NF1 are known to be pathogenic (PMID: 10712197, 23913538). For these reasons, this variant has been classified as Pathogenic.

Literature cited by the submitters: PubMed 10712197; PubMed 23913538.